The following is an entry in ClinVar:

NM_152558.5(IQCE):c.985C>G (p.Gln329Glu)

Gene: IQCE (IQ motif containing E; plus strand). Cytogenetic location: 7p22.3.
Variant type: single nucleotide variant.
Coding change: c.985C>G on transcript NM_152558.5 (MANE Select); coding-DNA position 985, C replaced by G.
Protein change: p.Gln329Glu; replaces glutamine 329 with glutamic acid.
Molecular consequence: missense variant.
Genome position (GRCh38, 1-based): chr7:2,586,368, C>G. VCF-style: chr7-2586368-C-G. GRCh37 (hg19) VCF-style: chr7-2626002-C-G.
Other names: c.985C>G, p.Gln329Glu (NM_001287499.2); c.937C>G, p.Gln313Glu (NM_001287500.2, NM_001410865.1); c.790C>G, p.Gln264Glu (NM_001287501.2, NM_001287502.2); short protein forms Q313E, Q329E, Q264E.
Identifiers: ClinVar variation 4989103 (VCV004989103.1).

ClinVar aggregate classification (germline): Benign (1 of 4 stars; one submission).

Conditions:
IQCE-related disorder. Also called: IQCE-related condition.

gnomAD v4.1: 3,279 of 1,610,850 alleles (0.2%); highest among the groups gnomAD compares: South Asian, 3.4%; 96 homozygotes.

Submission:

PreventionGenetics, part of Exact Sciences
Classification: Benign for IQCE-related condition. Last evaluated: 2025-12-31. Review status: criteria provided, single submitter. Criteria: ACMG Guidelines, 2015. Collection method: clinical testing. Allele origin: germline.
Comment: This variant is classified as benign based on ACMG/AMP sequence variant interpretation guidelines (Richards et al. 2015 PMID: 25741868, with internal and published modifications).